The following is an entry in ClinVar:

ClinVar aggregate classification (germline): Pathogenic (1 of 4 stars; one submission).

Submission:

Labcorp Genetics (formerly Invitae), Labcorp
Classification: Pathogenic. Last evaluated: 2021-12-08. Review status: criteria provided, single submitter. Criteria: Invitae Variant Classification Sherloc (09022015). Collection method: clinical testing. Allele origin: germline.
Comment: This variant is not present in population databases (gnomAD no frequency). For these reasons, this variant has been classified as Pathogenic. Algorithms developed to predict the effect of sequence changes on RNA splicing suggest that this variant may create or strengthen a splice site. This variant has not been reported in the literature in individuals affected with SKIV2L-related conditions. This sequence change creates a premature translational stop signal (p.Trp155*) in the SKIV2L gene. It is expected to result in an absent or disrupted protein product. Loss-of-function variants in SKIV2L are known to be pathogenic (PMID: 22444670).

Literature cited by the submitters: PubMed 22444670.

NM_006929.5(SKIC2):c.464G>A (p.Trp155Ter)

Gene: SKIC2 (SKI2 subunit of superkiller complex; plus strand). Cytogenetic location: 6p21.33.
Variant type: single nucleotide variant.
Coding change: c.464G>A on transcript NM_006929.5 (MANE Select); coding-DNA position 464, G replaced by A.
Protein change: p.Trp155Ter; replaces tryptophan 155 with a stop codon.
Molecular consequence: nonsense.
Genome position (GRCh38, 1-based): chr6:31,960,541, G>A. VCF-style: chr6-31960541-G-A. GRCh37 (hg19) VCF-style: chr6-31928318-G-A.
Other names: short protein forms W155*.
Identifiers: ClinVar variation 2037275 (VCV002037275.4), dbSNP rs2482889886, ClinGen allele CA363439884.